The following is an entry in ClinVar:

ClinVar aggregate classification (germline): Uncertain significance (1 of 4 stars; one submission).

Conditions:
Developmental and epileptic encephalopathy, 43 (DEE43). Also called: Epileptic encephalopathy, early infantile, 43. Identifiers: MedGen C4310712, MONDO:0014921, OMIM 617113.

Submission:

Centre for Mendelian Genomics, University Medical Centre Ljubljana
Classification: Uncertain significance for Developmental and epileptic encephalopathy, 43. Last evaluated: 2020-03-25. Review status: criteria provided, single submitter. Criteria: ACMG Guidelines, 2015. Collection method: clinical testing. Allele origin: unknown. Affected: yes.
Comment: This variant was classified as: Uncertain significance. The available evidence on this variant's pathogenicity is insufficient or conflicting. The following ACMG criteria were applied in classifying this variant: PM2,BP4.

NM_000814.6(GABRB3):c.461+15T>G

Gene: GABRB3 (gamma-aminobutyric acid type A receptor subunit beta3; minus strand). Cytogenetic location: 15q12.
Variant type: single nucleotide variant.
Coding change: c.461+15T>G on transcript NM_000814.6 (MANE Select); 15 bases into the intron after coding-DNA position 461, T replaced by G.
Molecular consequence: intron variant.
Genome position (GRCh38, 1-based): chr15:26,621,299, A>C on the plus strand (T>G on the coding strand, the complement: GABRB3 is on the minus strand). VCF-style: chr15-26621299-A-C. GRCh37 (hg19) VCF-style: chr15-26866446-A-C.
Other names: c.461+15T>G (NM_021912.5); c.206+15T>G (NM_001278631.2, NM_001191320.2); c.248+15T>G (NM_001191321.3).
Identifiers: ClinVar variation 930710 (VCV000930710.3), dbSNP rs1892473260, ClinGen allele CA1139663790.